The following is an entry in ClinVar:

ClinVar aggregate classification (germline): Uncertain significance (1 of 4 stars; one submission).

Conditions:
Werner syndrome (WRN). Identifiers: Orphanet 902, MedGen C0043119, MONDO:0010196, OMIM 277700.

gnomAD v4.1: 4 of 1,613,764 alleles (0.00025%); highest among the groups gnomAD compares: South Asian, 0.0011%; no homozygotes.

Submission:

Labcorp Genetics (formerly Invitae), Labcorp
Classification: Uncertain significance for Werner syndrome. Last evaluated: 2025-07-31. Review status: criteria provided, single submitter. Criteria: Invitae Variant Classification Sherloc (09022015). Collection method: clinical testing. Allele origin: germline.
Comment: This sequence change replaces serine, which is neutral and polar, with phenylalanine, which is neutral and non-polar, at codon 1140 of the WRN protein (p.Ser1140Phe). This variant is not present in population databases (gnomAD no frequency). This variant has not been reported in the literature in individuals affected with WRN-related conditions. ClinVar contains an entry for this variant (Variation ID: 1014861). An algorithm developed to predict the effect of missense changes on protein structure and function outputs the following: PolyPhen-2: "Benign". The phenylalanine amino acid residue is found in multiple mammalian species, which suggests that this missense change does not adversely affect protein function. In summary, the available evidence is currently insufficient to determine the role of this variant in disease. Therefore, it has been classified as a Variant of Uncertain Significance.

NM_000553.6(WRN):c.3419C>T (p.Ser1140Phe)

Gene: WRN (WRN RecQ like helicase; plus strand). Cytogenetic location: 8p12.
Variant type: single nucleotide variant.
Coding change: c.3419C>T on transcript NM_000553.6 (MANE Select); coding-DNA position 3419, C replaced by T.
Protein change: p.Ser1140Phe; replaces serine 1140 with phenylalanine.
Molecular consequence: missense variant.
Genome position (GRCh38, 1-based): chr8:31,147,088, C>T. VCF-style: chr8-31147088-C-T. GRCh37 (hg19) VCF-style: chr8-31004604-C-T.
Other names: short protein forms S1140F.
Identifiers: ClinVar variation 1014861 (VCV001014861.5), dbSNP rs760280044, ClinGen allele CA370925344.